The following is an entry in ClinVar:

ClinVar aggregate classification (germline): Uncertain significance. Review status: criteria provided, multiple submitters, no conflicts (2 of 4 stars). 2 submissions from 2 submitters: Uncertain significance (2). Last evaluated 2024-03-28.

Conditions:
Cardiovascular phenotype. Identifiers: MedGen CN230736.
Anterior segment dysgenesis. Also called: Ocular anterior segment dysgenesis. Identifiers: Orphanet 88632, MedGen C1862839, MONDO:0019503, HP:0007700.
Congenital primary aphakia. Also called: Anterior segment dysgenesis 2, multiple subtypes; ANTERIOR SEGMENT DYSGENESIS 2. Identifiers: Orphanet 83461, MedGen C1853230, MONDO:0012456, OMIM 610256.

Submissions (2):

Ambry Genetics
Classification: Uncertain significance for Cardiovascular phenotype. Last evaluated: 2024-03-28. Review status: criteria provided, single submitter. Criteria: Ambry Variant Classification Scheme 2023. Collection method: clinical testing. Allele origin: germline.
Comment: The p.A45V variant (also known as c.134C>T), located in coding exon 1 of the FOXE3 gene, results from a C to T substitution at nucleotide position 134. The alanine at codon 45 is replaced by valine, an amino acid with similar properties. This amino acid position is conserved. In addition, this alteration is predicted to be tolerated by in silico analysis. Based on the available evidence, the clinical significance of this alteration remains unclear.

Labcorp Genetics (formerly Invitae), Labcorp
Classification: Uncertain significance for Anterior segment dysgenesis; Congenital primary aphakia. Last evaluated: 2022-08-21. Review status: criteria provided, single submitter. Criteria: Invitae Variant Classification Sherloc (09022015). Collection method: clinical testing. Allele origin: germline.
Comment: Algorithms developed to predict the effect of missense changes on protein structure and function output the following: SIFT: "Tolerated"; PolyPhen-2: "Benign"; Align-GVGD: "Class C0". The valine amino acid residue is found in multiple mammalian species, which suggests that this missense change does not adversely affect protein function. In summary, the available evidence is currently insufficient to determine the role of this variant in disease. Therefore, it has been classified as a Variant of Uncertain Significance. This variant has not been reported in the literature in individuals affected with FOXE3-related conditions. The frequency data for this variant in the population databases is considered unreliable, as metrics indicate insufficient coverage at this position in the gnomAD database. This sequence change replaces alanine, which is neutral and non-polar, with valine, which is neutral and non-polar, at codon 45 of the FOXE3 protein (p.Ala45Val).

NM_012186.3(FOXE3):c.134C>T (p.Ala45Val)

Genes: LINC01389 (long independently transcribed non-coding RNA 1389; minus strand), FOXE3 (forkhead box E3; plus strand). Cytogenetic location: 1p33.
Variant type: single nucleotide variant.
Coding change: c.134C>T on transcript NM_012186.3 (MANE Select); coding-DNA position 134, C replaced by T.
Protein change: p.Ala45Val; replaces alanine 45 with valine.
Molecular consequence: missense variant.
Genome position (GRCh38, 1-based): chr1:47,416,449, C>T. VCF-style: chr1-47416449-C-T. GRCh37 (hg19) VCF-style: chr1-47882121-C-T.
Other names: c.134C>T (NM_012186.2); short protein forms A45V.
Identifiers: ClinVar variation 2150466 (VCV002150466.5), dbSNP rs999523224, ClinGen allele CA22068369.
Genomic context (GRCh38, chr1:47,416,449, plus strand): 5'-CGGGGCCGCCGCCGTCGCCGCTCGCAGGAGCCGAGCCAGGGCGGGAGCCAGAGGAGGCGG[C>T]GGCTGGCCGCGGAGAGGCGGCCCCCACGCCCGCGCCCGGCCCGGGGCGGCGGCGGCGGCG-3'
Protein context (NP_036318.1, residues 35-55): AEPGREPEEA[Ala45Val]AGRGEAAPTP